The following is an entry in ClinVar:

ClinVar aggregate classification (germline): Conflicting classifications of pathogenicity. Review status: criteria provided, conflicting classifications (1 of 4 stars). 8 submissions from 7 submitters: Likely pathogenic (1); Uncertain significance (4). 3 of the submissions do not count toward it. Last evaluated 2025-04-15.

Conditions:
Paramyotonia congenita of Von Eulenburg. Also called: PARALYSIS PERIODICA PARAMYOTONICA; Paramyotonia Congenita; Eulenburg disease; Myotonia congenita intermittens; Von Eulenburg paramyotonia congenita. Identifiers: Orphanet 684, MedGen C0221055, MONDO:0008195, OMIM 168300. Disease mechanism: loss of function.
Congenital myopathy 22A, classic (CMYO22A). Identifiers: MedGen C5830453, MONDO:0957247, OMIM 620351.
Congenital myopathy 22B, severe fetal (CMYO22B). Identifiers: MedGen C5830501, MONDO:0957265, OMIM 620369.
Congenital myasthenic syndrome 16. Identifiers: Orphanet 590, MedGen C3280112, MONDO:0013620, OMIM 614198.
Potassium-aggravated myotonia. Also called: MYOTONIA CONGENITA, ACETAZOLAMIDE-RESPONSIVE; MYOTONIA CONGENITA, ATYPICAL; SODIUM CHANNEL MUSCLE DISEASE; Myotonia congenita, atypical, acetazolamide-responsive. Identifiers: Orphanet 612, Orphanet 99734, Orphanet 99735, Orphanet 99736, MedGen C2931826, MONDO:0018959, OMIM 608390.
Hypokalemic periodic paralysis, type 2 (HOKPP2). Identifiers: Orphanet 681, MedGen C2750061, MONDO:0013234, OMIM 613345.
Hyperkalemic periodic paralysis. Also called: Familial hyperkalemic periodic paralysis; Gamstorp disease. Identifiers: Orphanet 682, MedGen C0238357, MONDO:0008224, OMIM 170500, HP:0007215.
SCN4A-related non-dystrophic myotonia.

Allele frequency attached by ClinVar (database versions not stated): gnomAD 0.00001; gnomAD exomes 0.00003 and 0.00002; ExAC 0.00004; TOPMed 0.00002.
gnomAD v4.1: 31 of 1,564,736 alleles (0.002%); highest among the groups gnomAD compares: East Asian, 0.021%; no homozygotes.

Submissions (8):

First Genomix Gene Laboratory, Genetic Diagnostics Department
Classification: Likely pathogenic for Congenital myasthenic syndrome 16; Congenital myopathy 22B, severe fetal; Congenital myopathy 22A, classic. Last evaluated: 2025-04-15. Review status: criteria provided, single submitter. Criteria: ACMG Guidelines, 2015. Collection method: clinical testing. Allele origin: germline. Inheritance: Autosomal recessive inheritance. Affected: no. Observed: 1 variant allele.

3billion
Classification: Uncertain significance for Hyperkalemic periodic paralysis. Last evaluated: 2024-11-15. Review status: criteria provided, single submitter. Criteria: ACMG Guidelines, 2015. Collection method: clinical testing. Allele origin: germline. Affected: yes.
Comment: The variant is observed at an extremely low frequency in the gnomAD v4.1.0 dataset (total allele frequency: 0.002%). Predicted Consequence/Location: Missense variant In silico tool predictions suggest damaging effect of the variant on gene or gene product [REVEL: 0.96 (>=0.6, sensitivity 0.68 and specificity 0.92); 3Cnet: 0.90 (>=0.6, sensitivity 0.72 and precision 0.9)]. The same nucleotide change resulting in the same amino acid change has been previously reported to be associated with SCN4A-related disorder (ClinVar ID: VCV001333342 /PMID: 20076800). However, the evidence of pathogenicity is insufficient at this time. A different missense change at the same codon (p.Arg225Gln) has been reported to be associated with SCN4A-related disorder (PMID: 36099689). However the evidence of pathogenicity is insufficient at this time. Therefore, this variant is classified as VUS according to the recommendation of ACMG/AMP guideline.

Fulgent Genetics
Classification: Uncertain significance for Paramyotonia congenita of Von Eulenburg; Hyperkalemic periodic paralysis; Potassium-aggravated myotonia; Hypokalemic periodic paralysis, type 2; Congenital myasthenic syndrome 16; Congenital myopathy 22A, classic; Congenital myopathy 22B, severe fetal. Last evaluated: 2024-05-30. Review status: criteria provided, single submitter. Criteria: ACMG Guidelines, 2015. Collection method: clinical testing. Allele origin: germline.

Institute of Medical Genetics and Applied Genomics, University Hospital Tübingen
Classification: Uncertain significance for Hyperkalemic periodic paralysis. Last evaluated: 2022-12-08. Review status: criteria provided, single submitter. Criteria: ACMG Guidelines, 2015. Collection method: clinical testing. Allele origin: germline. Affected: yes.

Labcorp Genetics (formerly Invitae), Labcorp
Classification: Uncertain significance for Hyperkalemic periodic paralysis. Last evaluated: 2022-07-14. Review status: criteria provided, single submitter. Criteria: Invitae Variant Classification Sherloc (09022015). Collection method: clinical testing. Allele origin: germline.
Comment: This missense change has been observed in individual(s) with clinical features of SCN4A-related conditions (PMID: 20076800, 26700687). This sequence change replaces arginine, which is basic and polar, with tryptophan, which is neutral and slightly polar, at codon 225 of the SCN4A protein (p.Arg225Trp). The frequency data for this variant in the population databases is considered unreliable, as metrics indicate poor data quality at this position in the gnomAD database. ClinVar contains an entry for this variant (Variation ID: 1333342). Algorithms developed to predict the effect of missense changes on protein structure and function (SIFT, PolyPhen-2, Align-GVGD) all suggest that this variant is likely to be disruptive. Experimental studies have shown that this missense change affects SCN4A function (PMID: 26700687). In summary, the available evidence is currently insufficient to determine the role of this variant in disease. Therefore, it has been classified as a Variant of Uncertain Significance.

OMIM
Classification: Pathogenic for CONGENITAL MYOPATHY 22A, CLASSIC. Last evaluated: 2024-07-16. Review status: no assertion criteria provided. Collection method: literature only. Allele origin: germline. Not counted in ClinVar's aggregate classification.

OMIM
Classification: Pathogenic for PARAMYOTONIA CONGENITA. Last evaluated: 2024-07-16. Review status: no assertion criteria provided. Collection method: literature only. Allele origin: germline. Not counted in ClinVar's aggregate classification.

Department of Neurology and Geriatrics, Kagoshima University Graduate School of Medical and Dental Sciences
Classification: Likely pathogenic for SCN4A-related non-dystrophic myotonia. Last evaluated: 2022-04-06. Review status: no assertion criteria provided. Collection method: research. Allele origin: germline. Affected: yes. Not counted in ClinVar's aggregate classification.

Literature cited by the submitters: PubMed 20076800 (cited by 3 submitters); PubMed 36099689 (cited by 3billion); PubMed 26700687 (cited by Labcorp Genetics (formerly Invitae), Labcorp and OMIM).

NM_000334.4(SCN4A):c.673C>T (p.Arg225Trp)

Gene: SCN4A (sodium voltage-gated channel alpha subunit 4; minus strand). Cytogenetic location: 17q23.3.
Variant type: single nucleotide variant.
Coding change: c.673C>T on transcript NM_000334.4 (MANE Select); coding-DNA position 673, C replaced by T.
Protein change: p.Arg225Trp; replaces arginine 225 with tryptophan.
Molecular consequence: missense variant.
Genome position (GRCh38, 1-based): chr17:63,971,192, G>A on the plus strand (C>T on the coding strand, the complement: SCN4A is on the minus strand). VCF-style: chr17-63971192-G-A. GRCh37 (hg19) VCF-style: chr17-62048552-G-A.
Other names: short protein forms R225W.
Identifiers: ClinVar variation 1333342 (VCV001333342.13), dbSNP rs764718003, ClinGen allele CA8710086.